The following is an entry in ClinVar:

NM_017999.5(RNF31):c.833G>A (p.Arg278Gln)

Gene: RNF31 (ring finger protein 31; plus strand). Cytogenetic location: 14q12.
Variant type: single nucleotide variant.
Coding change: c.833G>A on transcript NM_017999.5 (MANE Select); coding-DNA position 833, G replaced by A.
Protein change: p.Arg278Gln; replaces arginine 278 with glutamine.
Molecular consequence: missense variant.
Genome position (GRCh38, 1-based): chr14:24,150,084, G>A. VCF-style: chr14-24150084-G-A. GRCh37 (hg19) VCF-style: chr14-24619293-G-A.
Other names: c.380G>A, p.Arg127Gln (NM_001310332.2); short protein forms R127Q, R278Q.
Identifiers: ClinVar variation 1510174 (VCV001510174.8), dbSNP rs748726355, ClinGen allele CA7125646.

ClinVar aggregate classification (germline): Uncertain significance (1 of 4 stars; one submission).

Allele frequency attached by ClinVar (database versions not stated): gnomAD exomes below 0.00001; TOPMed below 0.00001; ExAC 0.00001; gnomAD 0.00001.
gnomAD v4.1: 6 of 1,591,130 alleles (0.00038%); highest among the groups gnomAD compares: African/African-American, 0.0013%; no homozygotes.

Submission:

Labcorp Genetics (formerly Invitae), Labcorp
Classification: Uncertain significance. Last evaluated: 2025-03-18. Review status: criteria provided, single submitter. Criteria: Invitae Variant Classification Sherloc (09022015). Collection method: clinical testing. Allele origin: germline.
Comment: This sequence change replaces arginine, which is basic and polar, with glutamine, which is neutral and polar, at codon 278 of the RNF31 protein (p.Arg278Gln). This variant is present in population databases (rs748726355, gnomAD 0.003%). This variant has not been reported in the literature in individuals affected with RNF31-related conditions. ClinVar contains an entry for this variant (Variation ID: 1510174). An algorithm developed to predict the effect of missense changes on protein structure and function outputs the following: PolyPhen-2: "Benign". The glutamine amino acid residue is found in multiple mammalian species, which suggests that this missense change does not adversely affect protein function. In summary, the available evidence is currently insufficient to determine the role of this variant in disease. Therefore, it has been classified as a Variant of Uncertain Significance.